The following is an entry in ClinVar:

ClinVar aggregate classification (germline): Uncertain significance (1 of 4 stars; one submission).

Allele frequency attached by ClinVar (database versions not stated): TOPMed below 0.00001; gnomAD 0.00001.
gnomAD v4.1: 4 of 1,604,570 alleles (0.00025%); highest among the groups gnomAD compares: African/African-American, 0.0013%; no homozygotes.

Submission:

GeneDx
Classification: Uncertain significance. Last evaluated: 2022-09-01. Review status: criteria provided, single submitter. Criteria: GeneDx Variant Classification Process June 2021. Collection method: clinical testing. Allele origin: germline. Affected: yes.
Comment: Not observed at significant frequency in large population cohorts (gnomAD); In silico analysis supports that this missense variant has a deleterious effect on protein structure/function; Has not been previously published as pathogenic or benign to our knowledge

NM_000360.4(TH):c.818A>G (p.Glu273Gly)

Gene: TH (tyrosine hydroxylase; minus strand). Cytogenetic location: 11p15.5.
Variant type: single nucleotide variant.
Coding change: c.818A>G on transcript NM_000360.4 (MANE Select); coding-DNA position 818, A replaced by G.
Protein change: p.Glu273Gly; replaces glutamic acid 273 with glycine.
Molecular consequence: missense variant.
Genome position (GRCh38, 1-based): chr11:2,166,910, T>C on the plus strand (A>G on the coding strand, the complement: TH is on the minus strand). VCF-style: chr11-2166910-T-C. GRCh37 (hg19) VCF-style: chr11-2188140-T-C.
Other names: c.911A>G, p.Glu304Gly (NM_199292.3); c.899A>G, p.Glu300Gly (NM_199293.3); short protein forms E273G, E300G, E304G.
Identifiers: ClinVar variation 2442690 (VCV002442690.1), dbSNP rs1846110049, ClinGen allele CA379126568.